The following is an entry in ClinVar:

ClinVar aggregate classification (germline): Uncertain significance (1 of 4 stars; one submission).

Conditions:
Hereditary hemorrhagic telangiectasia (HHT). Also called: ORW DISEASE; Osler Weber Rendu syndrome; OSLER-RENDU-WEBER DISEASE; Osler hemorrhagic telangiectasia syndrome. Identifiers: Orphanet 774, MedGen C0039445, MONDO:0019180. Disease mechanism: loss of function.

Submission:

Labcorp Genetics (formerly Invitae), Labcorp
Classification: Uncertain significance for Hereditary hemorrhagic telangiectasia. Last evaluated: 2021-04-26. Review status: criteria provided, single submitter. Criteria: Invitae Variant Classification Sherloc (09022015). Collection method: clinical testing. Allele origin: germline.
Comment: In summary, the available evidence is currently insufficient to determine the role of this variant in disease. Therefore, it has been classified as a Variant of Uncertain Significance. Advanced modeling of protein sequence and biophysical properties (such as structural, functional, and spatial information, amino acid conservation, physicochemical variation, residue mobility, and thermodynamic stability) performed at Invitae indicates that this missense variant is not expected to disrupt ENG protein function. This variant has not been reported in the literature in individuals with ENG-related conditions. This variant is not present in population databases (ExAC no frequency). This sequence change replaces threonine with alanine at codon 193 of the ENG protein (p.Thr193Ala). The threonine residue is moderately conserved and there is a small physicochemical difference between threonine and alanine.

NM_001114753.3(ENG):c.577A>G (p.Thr193Ala)

Gene: ENG (endoglin; minus strand). Cytogenetic location: 9q34.11.
Variant type: single nucleotide variant.
Coding change: c.577A>G on transcript NM_001114753.3 (MANE Select); coding-DNA position 577, A replaced by G.
Protein change: p.Thr193Ala; replaces threonine 193 with alanine.
Molecular consequence: missense variant.
Genome position (GRCh38, 1-based): chr9:127,825,807, T>C on the plus strand (A>G on the coding strand, the complement: ENG is on the minus strand). VCF-style: chr9-127825807-T-C. GRCh37 (hg19) VCF-style: chr9-130588086-T-C.
Other names: c.577A>G, p.Thr193Ala (NM_000118.4, NM_001406715.1); c.31A>G, p.Thr11Ala (NM_001278138.2); short protein forms T193A, T11A.
Identifiers: ClinVar variation 1349057 (VCV001349057.9), dbSNP rs1588582905, ClinGen allele CA374983697.